The following is an entry in ClinVar:

ClinVar aggregate classification (germline): Uncertain significance. Review status: criteria provided, multiple submitters, no conflicts (2 of 4 stars). 3 submissions from 3 submitters: Uncertain significance (3). Last evaluated 2026-01-06.

Conditions:
Cardiovascular phenotype. Identifiers: MedGen CN230736.
TTN-related disorder. Also called: TTN-related disorders; TTN-related condition; TTN-related disease.

Allele frequency attached by ClinVar (database versions not stated): gnomAD exomes 0.00001; gnomAD 0.00004; TOPMed 0.00012.
gnomAD v4.1: 18 of 1,613,088 alleles (0.0011%); highest among the groups gnomAD compares: African/African-American, 0.016%; no homozygotes.

Submissions (3):

PreventionGenetics, part of Exact Sciences
Classification: Uncertain significance for TTN-related condition. Last evaluated: 2026-01-06. Review status: criteria provided, single submitter. Criteria: ACMG Guidelines, 2015. Collection method: clinical testing. Allele origin: germline.
Comment: The TTN c.63994C>A variant is predicted to result in the amino acid substitution p.Pro21332Thr. To our knowledge, this variant has not been reported in the literature. This variant is reported in 0.019% of alleles in individuals of African descent in gnomAD. At this time, the clinical significance of this variant is uncertain due to the absence of conclusive functional and genetic evidence.

Ambry Genetics
Classification: Uncertain significance for Cardiovascular phenotype. Last evaluated: 2020-04-06. Review status: criteria provided, single submitter. Criteria: Ambry Variant Classification Scheme 2023. Collection method: clinical testing. Allele origin: germline.
Comment: The p.P12267T variant (also known as c.36799C>A), located in coding exon 134 of the TTN gene, results from a C to A substitution at nucleotide position 36799. The proline at codon 12267 is replaced by threonine, an amino acid with highly similar properties. This amino acid position is well conserved in available vertebrate species. In addition, this alteration is predicted to be tolerated by in silico analysis. Since supporting evidence is limited at this time, the clinical significance of this alteration remains unclear.

Mayo Clinic Laboratories, Mayo Clinic
Classification: Uncertain significance. Last evaluated: 2019-07-08. Review status: criteria provided, single submitter. Criteria: ACMG Guidelines, 2015. Collection method: clinical testing. Allele origin: germline. Observed: 1 variant allele.

NM_001267550.2(TTN):c.63994C>A (p.Pro21332Thr)

Genes: TTN (titin; minus strand), TTN-AS1 (TTN antisense RNA 1; plus strand). Cytogenetic location: 2q31.2.
Variant type: single nucleotide variant.
Coding change: c.63994C>A on transcript NM_001267550.2 (MANE Select); coding-DNA position 63994, C replaced by A.
Protein change: p.Pro21332Thr; replaces proline 21332 with threonine.
Molecular consequence: missense variant.
Genome position (GRCh38, 1-based): chr2:178,587,217, G>T on the plus strand (C>A on the coding strand, the complement: TTN is on the minus strand). VCF-style: chr2-178587217-G-T. GRCh37 (hg19) VCF-style: chr2-179451944-G-T.
Other names: c.59071C>A, p.Pro19691Thr (NM_001256850.1); c.36799C>A, p.Pro12267Thr (NM_003319.4); c.56290C>A, p.Pro18764Thr (NM_133378.4); c.37174C>A, p.Pro12392Thr (NM_133432.3); c.37375C>A, p.Pro12459Thr (NM_133437.4); short protein forms P12267T, P12392T, P12459T, P18764T, P19691T, P21332T.
Identifiers: ClinVar variation 1162942 (VCV001162942.8), dbSNP rs879031561, ClinGen allele CA60965017.
Genomic context (GRCh38, chr2:178,587,217, plus strand): 5'-TTGGGACGCCAGGGCCATATTCGTTGACAGCAGTTACTCTGAAGTAATACTCATTCCCAG[G>T]GACAAGATTGGTTACATGGAAGCTTGTTTTCTTAACTTCTGGGGTAACGGTCGACCATGT-3'
Protein context (NP_001254479.2, residues 21322-21342): KTSFHVTNLV[Pro21332Thr]GNEYYFRVTA